The following is an entry in ClinVar:

ClinVar aggregate classification (germline): Uncertain significance (0 of 4 stars; one submission).

Conditions:
ARMC5-related disorder. Also called: ARMC5-related condition.

Submission:

PreventionGenetics, part of Exact Sciences
Classification: Uncertain significance for ARMC5-related condition. Last evaluated: 2024-05-14. Review status: no assertion criteria provided. Collection method: clinical testing. Allele origin: germline.
Comment: The ARMC5 c.2030C>T variant is predicted to result in the amino acid substitution p.Ala677Val. To our knowledge, this variant has not been reported in the literature or in a large population database, indicating this variant is rare. However, gnomAD quality metrics indicate the data quality may be low at this site and therefore allele frequencies should be interpreted with caution. At this time, the clinical significance of this variant is uncertain due to the absence of conclusive functional and genetic evidence.

NM_001105247.2(ARMC5):c.1745C>T (p.Ala582Val)

Gene: ARMC5 (armadillo repeat containing 5; plus strand). Cytogenetic location: 16p11.2.
Variant type: single nucleotide variant.
Coding change: c.1745C>T on transcript NM_001105247.2 (MANE Select); coding-DNA position 1745, C replaced by T.
Protein change: p.Ala582Val; replaces alanine 582 with valine.
Molecular consequence: missense variant.
Genome position (GRCh38, 1-based): chr16:31,464,768, C>T. VCF-style: chr16-31464768-C-T. GRCh37 (hg19) VCF-style: chr16-31476089-C-T.
Other names: c.2030C>T, p.Ala677Val (NM_001288767.2); c.1841C>T, p.Ala614Val (NM_001301820.1); c.1745C>T, p.Ala582Val (NM_024742.2); short protein forms A582V, A614V, A677V.
Identifiers: ClinVar variation 3347080 (VCV003347080.1).